The following is an entry in ClinVar:

NM_007076.3(FICD):c.693G>A (p.Val231=)

Gene: FICD (FIC domain protein adenylyltransferase; plus strand). Cytogenetic location: 12q23.3.
Variant type: single nucleotide variant.
Coding change: c.693G>A on transcript NM_007076.3 (MANE Select); coding-DNA position 693, G replaced by A.
Protein change: p.Val231=; no amino-acid change (valine 231 retained).
Molecular consequence: synonymous variant.
Genome position (GRCh38, 1-based): chr12:108,518,791, G>A. VCF-style: chr12-108518791-G-A. GRCh37 (hg19) VCF-style: chr12-108912568-G-A.
Identifiers: ClinVar variation 5038998 (VCV005038998.1).

ClinVar aggregate classification (germline): Likely benign (1 of 4 stars; one submission).

gnomAD v4.1: 24 of 1,614,064 alleles (0.0015%); highest among the groups gnomAD compares: Non-Finnish European, 0.0019%; no homozygotes.

Submission:

CeGaT Center for Human Genetics Tuebingen
Classification: Likely benign. Last evaluated: 2026-07-01. Review status: criteria provided, single submitter. Criteria: CeGaT Center For Human Genetics Tuebingen Variant Classification Criteria Version 2. Collection method: clinical testing. Allele origin: germline. Affected: yes. Observed: 1 variant allele.
Comment: FICD: BP4, BP7